The following is an entry in ClinVar:

ClinVar aggregate classification (germline): Uncertain significance (1 of 4 stars; one submission).

Submission:

Labcorp Genetics (formerly Invitae), Labcorp
Classification: Uncertain significance. Last evaluated: 2024-12-16. Review status: criteria provided, single submitter. Criteria: Invitae Variant Classification Sherloc (09022015). Collection method: clinical testing. Allele origin: germline.
Comment: This sequence change replaces alanine, which is neutral and non-polar, with proline, which is neutral and non-polar, at codon 1244 of the TRAPPC9 protein (p.Ala1244Pro). This variant is not present in population databases (gnomAD no frequency). This variant has not been reported in the literature in individuals affected with TRAPPC9-related conditions. ClinVar contains an entry for this variant (Variation ID: 2116670). An algorithm developed to predict the effect of missense changes on protein structure and function (PolyPhen-2) suggests that this variant is likely to be tolerated. In summary, the available evidence is currently insufficient to determine the role of this variant in disease. Therefore, it has been classified as a Variant of Uncertain Significance.

NM_001160372.4(TRAPPC9):c.3436G>C (p.Ala1146Pro)

Gene: TRAPPC9 (trafficking protein particle complex subunit 9; minus strand). Cytogenetic location: 8q24.3.
Variant type: single nucleotide variant.
Coding change: c.3436G>C on transcript NM_001160372.4 (MANE Select); coding-DNA position 3436, G replaced by C.
Protein change: p.Ala1146Pro; replaces alanine 1146 with proline.
Molecular consequence: missense variant. On other transcripts: non-coding transcript variant (1).
Genome position (GRCh38, 1-based): chr8:139,731,072, C>G on the plus strand (G>C on the coding strand, the complement: TRAPPC9 is on the minus strand). VCF-style: chr8-139731072-C-G. GRCh37 (hg19) VCF-style: chr8-140743315-C-G.
Other names: c.3409G>C, p.Ala1137Pro (NM_001321646.2); c.3457G>C, p.Ala1153Pro (NM_001374682.1); c.3325G>C, p.Ala1109Pro (NM_001374683.1); c.3292G>C, p.Ala1098Pro (NM_001374684.1); c.3436G>C, p.Ala1146Pro (NM_031466.8); short protein forms A1153P, A1098P, A1146P, A1109P, A1137P.
Identifiers: ClinVar variation 2116670 (VCV002116670.4), dbSNP rs1817787315, ClinGen allele CA372732315.